The following is an entry in ClinVar:

NM_005883.3(APC2):c.3352G>C (p.Gly1118Arg)

Gene: APC2 (APC regulator of Wnt signaling pathway 2; plus strand). Cytogenetic location: 19p13.3.
Variant type: single nucleotide variant.
Coding change: c.3352G>C on transcript NM_005883.3 (MANE Select); coding-DNA position 3352, G replaced by C.
Protein change: p.Gly1118Arg; replaces glycine 1118 with arginine.
Molecular consequence: missense variant.
Genome position (GRCh38, 1-based): chr19:1,466,653, G>C. VCF-style: chr19-1466653-G-C. GRCh37 (hg19) VCF-style: chr19-1466652-G-C.
Other names: c.3349G>C, p.Gly1117Arg (NM_001351273.1); c.3352G>C (NM_005883.2); short protein forms G1118R, G1117R.
Identifiers: ClinVar variation 2076619 (VCV002076619.7), dbSNP rs745872459, ClinGen allele CA9045677.

ClinVar aggregate classification (germline): Uncertain significance. Review status: criteria provided, multiple submitters, no conflicts (2 of 4 stars). 3 submissions from 3 submitters: Uncertain significance (3). Last evaluated 2025-10-22.

Conditions:
Inborn genetic diseases. Identifiers: MedGen C0950123, MeSH D030342.

Submissions (3):

Labcorp Genetics (formerly Invitae), Labcorp
Classification: Uncertain significance. Last evaluated: 2025-10-22. Review status: criteria provided, single submitter. Criteria: Invitae Variant Classification Sherloc (09022015). Collection method: clinical testing. Allele origin: germline.
Comment: This sequence change replaces glycine, which is neutral and non-polar, with arginine, which is basic and polar, at codon 1118 of the APC2 protein (p.Gly1118Arg). This variant is present in population databases (rs745872459, gnomAD 0.03%). This variant has not been reported in the literature in individuals affected with APC2-related conditions. ClinVar contains an entry for this variant (Variation ID: 2076619). Invitae Evidence Modeling of protein sequence and biophysical properties (such as structural, functional, and spatial information, amino acid conservation, physicochemical variation, residue mobility, and thermodynamic stability) indicates that this missense variant is not expected to disrupt APC2 protein function with a negative predictive value of 80%. In summary, the available evidence is currently insufficient to determine the role of this variant in disease. Therefore, it has been classified as a Variant of Uncertain Significance.

Ambry Genetics
Classification: Uncertain significance for Inborn genetic diseases. Last evaluated: 2025-02-25. Review status: criteria provided, single submitter. Criteria: Ambry Variant Classification Scheme 2023. Collection method: clinical testing. Allele origin: germline.

GeneDx
Classification: Uncertain significance. Last evaluated: 2023-06-02. Review status: criteria provided, single submitter. Criteria: GeneDx Variant Classification Process June 2021. Collection method: clinical testing. Allele origin: germline. Affected: yes.
Comment: In silico analysis supports that this missense variant has a deleterious effect on protein structure/function; Has not been previously published as pathogenic or benign to our knowledge